The following is an entry in ClinVar:

NM_001844.5(COL2A1):c.2198C>G (p.Ala733Gly)

Gene: COL2A1 (collagen type II alpha 1 chain; minus strand). Cytogenetic location: 12q13.11.
Variant type: single nucleotide variant.
Coding change: c.2198C>G on transcript NM_001844.5 (MANE Select); coding-DNA position 2198, C replaced by G.
Protein change: p.Ala733Gly; replaces alanine 733 with glycine.
Molecular consequence: missense variant.
Genome position (GRCh38, 1-based): chr12:47,982,605, G>C on the plus strand (C>G on the coding strand, the complement: COL2A1 is on the minus strand). VCF-style: chr12-47982605-G-C. GRCh37 (hg19) VCF-style: chr12-48376388-G-C.
Other names: c.1991C>G, p.Ala664Gly (NM_033150.3); short protein forms A664G, A733G.
Identifiers: ClinVar variation 3764463 (VCV003764463.4).
Genomic context (GRCh38, chr12:47,982,605, plus strand): 5'-CCAGGCATTCCCTGAAGACCTGGAGGGCCCTGAGCCCCAGGGGGGCCTGCTGGGCCAGAT[G>C]CACCCTGGGGAGGGAGGTAAGAGGGAGTCTGTAGTGGACAGCACCTCTCCCTGAACCCAT-3'
Protein context (NP_001835.3, residues 723-743): GTPGTDGPKG[Ala733Gly]SGPAGPPGAQ

ClinVar aggregate classification (germline): Uncertain significance. Review status: criteria provided, multiple submitters, no conflicts (2 of 4 stars). 3 submissions from 3 submitters: Uncertain significance (3). Last evaluated 2026-02-16.

Conditions:
Inborn genetic diseases. Identifiers: MedGen C0950123, MeSH D030342.

gnomAD v4.1: 1 of 1,609,322 alleles (0.000062%); no homozygotes.

Submissions (3):

Ambry Genetics
Classification: Uncertain significance for Inborn genetic diseases. Last evaluated: 2026-02-16. Review status: criteria provided, single submitter. Criteria: Ambry Variant Classification Scheme 2023. Collection method: clinical testing. Allele origin: germline.

GeneDx
Classification: Uncertain significance. Last evaluated: 2025-06-17. Review status: criteria provided, single submitter. Criteria: GeneDx Variant Classification Process June 2021. Collection method: clinical testing. Allele origin: germline.
Comment: Not observed at significant frequency in large population cohorts (gnomAD); In silico analysis suggests that this missense variant does not alter protein structure/function; Occurs in the triple helical domain at the X position in the canonical Gly-X-Y repeat; although this variant may have an effect on normal protein folding and function, missense substitution at the X position is not a common mechanism of disease (HGMD); Has not been previously published as pathogenic or benign to our knowledge

Blueprint Genetics
Classification: Uncertain significance. Last evaluated: 2024-09-18. Review status: criteria provided, single submitter. Criteria: ACMG Guidelines, 2015. Collection method: clinical testing. Allele origin: germline.